The following is an entry in ClinVar:

ClinVar aggregate classification (germline): Uncertain significance. Review status: criteria provided, multiple submitters, no conflicts (2 of 4 stars). 2 submissions from 2 submitters: Uncertain significance (2). Last evaluated 2024-10-22.

Conditions:
Epileptic encephalopathy. Identifiers: MedGen C0543888, HP:0200134.

Allele frequency attached by ClinVar (database versions not stated): gnomAD 0.00004 and 0.00006; TOPMed 0.00004; gnomAD exomes 0.00009; ExAC 0.00013; ESP Exome Variant Server 0.00023.

Submissions (2):

Labcorp Genetics (formerly Invitae), Labcorp
Classification: Uncertain significance for Epileptic encephalopathy. Last evaluated: 2024-10-22. Review status: criteria provided, single submitter. Criteria: Invitae Variant Classification Sherloc (09022015). Collection method: clinical testing. Allele origin: germline.
Comment: This sequence change replaces methionine, which is neutral and non-polar, with isoleucine, which is neutral and non-polar, at codon 1503 of the RYR3 protein (p.Met1503Ile). This variant is present in population databases (rs199964676, gnomAD 0.03%). This variant has not been reported in the literature in individuals affected with RYR3-related conditions. ClinVar contains an entry for this variant (Variation ID: 964613). Invitae Evidence Modeling of protein sequence and biophysical properties (such as structural, functional, and spatial information, amino acid conservation, physicochemical variation, residue mobility, and thermodynamic stability) indicates that this missense variant is not expected to disrupt RYR3 protein function with a negative predictive value of 80%. In summary, the available evidence is currently insufficient to determine the role of this variant in disease. Therefore, it has been classified as a Variant of Uncertain Significance.

Ambry Genetics
Classification: Uncertain significance. Last evaluated: 2022-03-16. Review status: criteria provided, single submitter. Criteria: Ambry Variant Classification Scheme 2023. Collection method: clinical testing. Allele origin: germline.

NM_001036.6(RYR3):c.4509G>A (p.Met1503Ile)

Gene: RYR3 (ryanodine receptor 3; plus strand). Cytogenetic location: 15q14.
Variant type: single nucleotide variant.
Coding change: c.4509G>A on transcript NM_001036.6 (MANE Select); coding-DNA position 4509, G replaced by A.
Protein change: p.Met1503Ile; replaces methionine 1503 with isoleucine.
Molecular consequence: missense variant.
Genome position (GRCh38, 1-based): chr15:33,660,310, G>A. VCF-style: chr15-33660310-G-A. GRCh37 (hg19) VCF-style: chr15-33952511-G-A.
Other names: c.4509G>A, p.Met1503Ile (NM_001243996.4); c.4509G>A (NM_001036.3); short protein forms M1503I.
Identifiers: ClinVar variation 964613 (VCV000964613.10), dbSNP rs199964676, ClinGen allele CA7459029.